The following is an entry in ClinVar:

NM_000334.4(SCN4A):c.469del (p.Ser157fs)

Gene: SCN4A (sodium voltage-gated channel alpha subunit 4; minus strand). Cytogenetic location: 17q23.3.
Variant type: Deletion.
Coding change: c.469del on transcript NM_000334.4 (MANE Select); coding-DNA position 469, one base deleted (T; older notation c.469delT).
Protein change: p.Ser157fs; shifts the reading frame from serine 157.
Molecular consequence: frameshift variant.
Genome position (GRCh38, 1-based): chr17:63,972,149, A deleted on the plus strand (T on the coding strand, the reverse complement: SCN4A is on the minus strand). VCF-style (leftmost placement, unchanged base first): chr17-63972148-GA-G. GRCh37 (hg19) VCF-style: chr17-62049508-GA-G.
Other names: c.469delT (NM_000334.4); short protein forms S157fs.
Identifiers: ClinVar variation 2628861 (VCV002628861.1), dbSNP rs2509324687, ClinGen allele CA2695200324.

ClinVar aggregate classification (germline): Likely pathogenic (1 of 4 stars; one submission).

Conditions:
SCN4A-related disorder. Also called: SCN4A-related disorders.

Submission:

PreventionGenetics, part of Exact Sciences
Classification: Likely pathogenic for SCN4A-related condition. Last evaluated: 2023-06-26. Review status: criteria provided, single submitter. Criteria: ACMG Guidelines, 2015. Collection method: clinical testing. Allele origin: germline.
Comment: The SCN4A c.469delT variant is predicted to result in a frameshift and premature protein termination (p.Ser157Profs*46). To our knowledge, this variant has not been reported in the literature or in a large population database, indicating this variant is rare. Frameshift variants in SCN4A are expected to be pathogenic. This variant is interpreted as likely pathogenic.